The following is an entry in ClinVar:

ClinVar aggregate classification (germline): Uncertain significance (1 of 4 stars; one submission).

Conditions:
Ataxia-telangiectasia syndrome (AT). Also called: ATAXIA-TELANGIECTASIA, COMPLEMENTATION GROUP A; ATAXIA-TELANGIECTASIA, FRESNO VARIANT; Ataxia-telangiectasia; Ataxia-telangiectasia, complementation group E; LOUIS-BAR SYNDROME; Cerebello-oculocutaneous telangiectasia. Identifiers: Orphanet 100, MedGen C0004135, MONDO:0008840, OMIM 208900.

Submission:

Labcorp Genetics (formerly Invitae), Labcorp
Classification: Uncertain significance for Ataxia-telangiectasia syndrome. Last evaluated: 2025-07-31. Review status: criteria provided, single submitter. Criteria: Invitae Variant Classification Sherloc (09022015). Collection method: clinical testing. Allele origin: germline.
Comment: This sequence change replaces valine, which is neutral and non-polar, with aspartic acid, which is acidic and polar, at codon 2731 of the ATM protein (p.Val2731Asp). This variant is not present in population databases (gnomAD no frequency). This missense change has been observed in individual(s) with colorectal cancer (PMID: 28135145). ClinVar contains an entry for this variant (Variation ID: 2137243). Invitae Evidence Modeling of protein sequence and biophysical properties (such as structural, functional, and spatial information, amino acid conservation, physicochemical variation, residue mobility, and thermodynamic stability) indicates that this missense variant is expected to disrupt ATM protein function with a positive predictive value of 95%. In summary, the available evidence is currently insufficient to determine the role of this variant in disease. Therefore, it has been classified as a Variant of Uncertain Significance.

Literature cited by the submitters: PubMed 28135145.

NM_000051.4(ATM):c.8192T>A (p.Val2731Asp)

Genes: ATM (ATM serine/threonine kinase; plus strand), C11orf65 (chromosome 11 open reading frame 65; minus strand). Cytogenetic location: 11q22.3.
Variant type: single nucleotide variant.
Coding change: c.8192T>A on transcript NM_000051.4 (MANE Select); coding-DNA position 8192, T replaced by A.
Protein change: p.Val2731Asp; replaces valine 2731 with aspartic acid.
Molecular consequence: missense variant. On other transcripts: intron variant (2).
Genome position (GRCh38, 1-based): chr11:108,335,885, T>A. VCF-style: chr11-108335885-T-A. GRCh37 (hg19) VCF-style: chr11-108206612-T-A.
Other names: c.8192T>A, p.Val2731Asp (NM_001351834.2); c.641-26814A>T (NM_001330368.2); c.695-593A>T (NM_001351110.2); short protein forms V2731D.
Identifiers: ClinVar variation 2137243 (VCV002137243.3), dbSNP rs2086789387, ClinGen allele CA382562540.